The following is an entry in ClinVar:

ClinVar aggregate classification (germline): Likely benign. Review status: criteria provided, single submitter (1 of 4 stars). 2 submissions from 2 submitters: Likely benign (1). 1 of the submissions does not count toward it. Last evaluated 2018-01-18.

Allele frequency attached by ClinVar (database versions not stated): ExAC 0.00023; TOPMed 0.00037; ESP Exome Variant Server 0.00046.
gnomAD v4.1: 1,167 of 1,612,936 alleles (0.072%); highest among the groups gnomAD compares: Non-Finnish European, 0.092%; no homozygotes.

Submissions (3):

Labcorp Genetics (formerly Invitae), Labcorp
Classification: Likely benign. Last evaluated: 2018-01-18. Review status: criteria provided, single submitter. Criteria: Invitae Variant Classification Sherloc (09022015). Collection method: clinical testing. Allele origin: germline.

Department of Pathology and Laboratory Medicine, Sinai Health System
Classification: Likely benign. Review status: no assertion criteria provided. Collection method: clinical testing. Allele origin: unknown. Affected: yes. Study: The Canadian Open Genetics Repository (COGR). Not counted in ClinVar's aggregate classification.
Comment: The JPH3 p.Gly290Gly variant was not identified in the literature nor was it identified in ClinVar or LOVD 3.0. The variant was identified in dbSNP (ID: rs144950183) and in control databases in 80 of 280880 chromosomes at a frequency of 0.0002848 (Genome Aggregation Database March 6, 2019, v2.1.1). The variant was observed in the following populations: Other in 6 of 7200 chromosomes (freq: 0.000833), African in 11 of 24888 chromosomes (freq: 0.000442), European (non-Finnish) in 55 of 128086 chromosomes (freq: 0.000429), South Asian in 4 of 30610 chromosomes (freq: 0.000131), Latino in 3 of 35402 chromosomes (freq: 0.000085) and East Asian in 1 of 19868 chromosomes (freq: 0.00005), but was not observed in the Ashkenazi Jewish or European (Finnish) populations. The p.Gly290Gly variant is not expected to have clinical significance because it does not result in a change of amino acid and is not located in a known consensus splice site. However, 4 of 4 in silico or computational prediction software programs (SpliceSiteFinder, MaxEntScan, NNSPLICE, GeneSplicer) predict a greater than 10% difference in splicing and the creation of a new 5' splice site. However, this information is not predictive enough to assume pathogenicity. In summary, based on the above information the clinical significance of this variant cannot be determined with certainty at this time although we would lean towards a more benign role for this variant. This variant is classified as likely benign.

Dr. Peter K. Rogan Lab, Western University
No classification provided (evidence only). Condition: Cervical cancer. Review status: no classification provided. Collection method: in vitro. Allele origin: not applicable. Functional consequence: retained intron. Not counted in ClinVar's aggregate classification.

NM_020655.4(JPH3):c.870C>T (p.Gly290=)

Gene: JPH3 (junctophilin 3; plus strand). Cytogenetic location: 16q24.2.
Variant type: single nucleotide variant.
Coding change: c.870C>T on transcript NM_020655.4 (MANE Select); coding-DNA position 870, C replaced by T.
Protein change: p.Gly290=; no amino-acid change (glycine 290 retained).
Molecular consequence: synonymous variant. On other transcripts: non-coding transcript variant (1).
Genome position (GRCh38, 1-based): chr16:87,644,745, C>T. VCF-style: chr16-87644745-C-T. GRCh37 (hg19) VCF-style: chr16-87678351-C-T.
Other names: NC_000016.9:g.87678351C>T.
Identifiers: ClinVar variation 734381 (VCV000734381.5), dbSNP rs144950183, ClinGen allele CA8220878.